The following is an entry in ClinVar:

NM_000059.4(BRCA2):c.3170_3174del (p.Lys1057fs)

Gene: BRCA2 (BRCA2 DNA repair associated; plus strand). Cytogenetic location: 13q13.1.
Variant type: Deletion.
Coding change: c.3170_3174del on transcript NM_000059.4 (MANE Select); coding-DNA positions 3170 to 3174, 5 bases deleted (AGAAA; older notation c.3170_3174delAGAAA).
Protein change: p.Lys1057fs; shifts the reading frame from lysine 1057.
Molecular consequence: frameshift variant.
Genome position (GRCh38, 1-based): chr13:32,337,525-32,337,529, AGAAA deleted; deleting any 5 consecutive bases within chr13:32,337,522-32,337,529 gives the same sequence; the c. name uses the placement nearest the transcript's 3' end. VCF-style (leftmost placement, unchanged base first): chr13-32337521-CAAAAG-C. GRCh37 (hg19) VCF-style: chr13-32911658-CAAAAG-C.
Other names: 3398del5; c.3170_3174delAGAAA (NM_000059.3).
Identifiers: ClinVar variation 37826 (VCV000037826.71), dbSNP rs80359373, ClinGen allele CA017423.

ClinVar aggregate classification (germline): Pathogenic. Review status: reviewed by expert panel (3 of 4 stars). 31 submissions from 31 submitters: Pathogenic (1). 30 of the submissions do not count toward it. Last evaluated 2016-09-08.

Conditions:
BRCA2-related cancer predisposition. Identifiers: MedGen CN377758, MONDO:0700269.
Breast and/or ovarian cancer. Identifiers: MedGen CN221562.
BRCA2-related disorder. Also called: BRCA2-related condition; BRCA2-related disorders. Identifiers: MedGen CN239275.
Hereditary cancer-predisposing syndrome. Also called: Hereditary neoplastic syndrome; Tumor predisposition; Hereditary Cancer Syndrome; Neoplastic Syndromes, Hereditary. Identifiers: Orphanet 140162, MedGen C0027672, MeSH D009386, MONDO:0015356.
Hereditary breast ovarian cancer syndrome. Also called: Breast and ovarian cancer; Hereditary breast and/or ovarian cancer syndrome; BRCA1- and BRCA2-Associated Hereditary Breast and Ovarian Cancer; Hereditary breast and ovarian cancer syndrome; Hereditary breast and ovarian cancer; Hereditary breast and ovarian cancer syndrome (HBOC). Identifiers: Orphanet 145, MedGen C0677776, MeSH D061325, MONDO:0003582. Disease mechanism: loss of function.
Breast-ovarian cancer, familial, susceptibility to, 2 (BROVCA2). Also called: BRCA2 Hereditary Breast and Ovarian Cancer. Identifiers: Orphanet 145, MedGen C2675520, MONDO:0012933, OMIM 612555. Disease mechanism: loss of function.
Familial cancer of breast. Also called: BREAST CANCER, FAMILIAL; Hereditary breast cancer; hereditary breast carcinoma. Identifiers: Orphanet 227535, MedGen C0346153, MONDO:0016419, OMIM 114480. Disease mechanism: loss of function.
Malignant tumor of breast. Also called: Cancer breast; Malignant breast neoplasm. Identifiers: MedGen C0006142, MONDO:0007254. Disease mechanism: loss of function.

Submissions 1 to 9 of 31:

Evidence-based Network for the Interpretation of Germline Mutant Alleles (ENIGMA)
Classification: Pathogenic for Breast-ovarian cancer, familial, susceptibility to, 2. Last evaluated: 2016-09-08. Review status: reviewed by expert panel. Criteria: ENIGMA BRCA1/2 Classification Criteria (2015). Collection method: curation. Allele origin: germline.
Comment: Variant allele predicted to encode a truncated non-functional protein.

PreventionGenetics, part of Exact Sciences
Classification: Pathogenic for BRCA2-related condition. Last evaluated: 2026-05-13. Review status: criteria provided, single submitter. Criteria: ACMG Guidelines, 2015. Collection method: clinical testing. Allele origin: germline. Not counted in ClinVar's aggregate classification.
Comment: The BRCA2 c.3170_3174del5 variant is predicted to result in a frameshift and premature protein termination (p.Lys1057Thrfs*8). This variant, also described as 3398delAAAAG, is a recurrent variant among French Canadians (Oros et al. 2006. PubMed ID: 16539696) and has been reported in patients with a range of different cancers including breast, ovarian, prostate, and pancreatic cancers (Lubinski et al. 2004. PubMed ID: 15131399; Labidi-Galy et al. 2018. PubMed ID: 29084914; Andrei et al. 2015. PubMed ID: 25864590; Kang et al. 2015. PubMed ID: 25863477; Ellingson et al. 2015. PubMed ID: 26296701; Pritchard et al. 2016. PubMed ID: 27433846). This variant is interpreted as pathogenic in ClinVar (Variation ID: 37826). This variant is reported in 0.0027% of alleles in individuals of European (non-Finnish) descent in gnomAD. Frameshift variants in BRCA2 are expected to be pathogenic. This variant is interpreted as pathogenic.

Labcorp Genetics (formerly Invitae), Labcorp
Classification: Pathogenic for Hereditary breast ovarian cancer syndrome. Last evaluated: 2026-01-26. Review status: criteria provided, single submitter. Criteria: Invitae Variant Classification Sherloc (09022015). Collection method: clinical testing. Allele origin: germline. Not counted in ClinVar's aggregate classification.
Comment: This sequence change creates a premature translational stop signal (p.Lys1057Thrfs*8) in the BRCA2 gene. It is expected to result in an absent or disrupted protein product. Loss-of-function variants in BRCA2 are known to be pathogenic (PMID: 20104584). This variant is present in population databases (rs781096360, gnomAD 0.003%). This premature translational stop signal has been observed in individual(s) with breast, ovarian, and pancreatic cancer (PMID: 15131399, 15382066, 16539696, 20694749, 23621881, 25863477, 25864590, 26296701, 27433846). This variant is also known as 3398delAAAAG and 3398del5. ClinVar contains an entry for this variant (Variation ID: 37826). For these reasons, this variant has been classified as Pathogenic.

Variantyx, Inc.
Classification: Pathogenic for Breast-ovarian cancer, familial, susceptibility to, 2. Last evaluated: 2025-09-03. Review status: criteria provided, single submitter. Criteria: Variantyx Assertion Criteria 2022. Collection method: clinical testing. Allele origin: germline. Inheritance: Autosomal dominant inheritance. Affected: yes. Not counted in ClinVar's aggregate classification.
Comment: This is a frameshift variant in the BRCA2 gene (OMIM: 600185). Pathogenic variants in this gene have been associated with autosomal dominant susceptibility to familial breast-ovarian cancer 2. This variant introduces a premature termination codon in exon 11 out of 27 and is expected to result in loss of function, which is a known disease mechanism for BRCA2 in this disorder (PVS1) (PMID:20301425). Other reputable laboratories have reported this variant as pathogenic or likely pathogenic, and this classification has been validated by an expert panel in ClinVar (PP5). This variant has a 0.0005% maximum allele frequency in non-founder control populations. Based on the current evidence, this variant is classified as pathogenic for autosomal dominant susceptibility to familial breast-ovarian cancer 2.

Ambry Genetics
Classification: Pathogenic for Hereditary cancer-predisposing syndrome. Last evaluated: 2025-08-15. Review status: criteria provided, single submitter. Criteria: Ambry Variant Classification Scheme 2023. Collection method: clinical testing. Allele origin: germline. Not counted in ClinVar's aggregate classification.
Comment: The c.3170_3174delAGAAA (p.K1057Tfs*8) alteration, located in exon 11 (coding exon 10) of the BRCA2 gene, consists of a deletion of 5 nucleotides from position 3170 to 3174, causing a translational frameshift with a predicted alternate stop codon after 8 amino acids. This alteration is expected to result in loss of function by premature protein truncation or nonsense-mediated mRNA decay. Based on data from gnomAD, this allele has an overall frequency of 0.001% (3/246888) total alleles studied. The highest observed frequency was 0.003% (3/112272) of European (non-Finnish) alleles. This variant is a known French Canadian founder mutation (Oros, 2006; Janaviius, 2010) but has also been reported in multiple breast and/or ovarian cancer cohorts from various ethnicities (Lubinski, 2004; Ghadirian, 2009; Kang, 2015; Labidi-Galy, 2018). Based on the available evidence, this alteration is classified as pathogenic.

GeneKor MSA
Classification: Pathogenic for Hereditary breast ovarian cancer syndrome. Last evaluated: 2025-06-25. Review status: criteria provided, single submitter. Criteria: ACMG Guidelines, 2015. Collection method: clinical testing. Allele origin: germline. Not counted in ClinVar's aggregate classification.
Comment: This is a 5-nucleotide deletion in exon 11 of the BRCA2 mRNA c.(3170_3174del) causing a frameshift after codon 1057 and the creation of a premature translation stop signal 8 amino acid residues later - p.(Lys1057Thrfs*8). This is expected to result in an absent or disrupted protein product. Truncating variants in BRCA2 are known to be pathogenic (PMID:20104584). This alteration is present in population databases (rs80359373) and is also reported as 3398del5 or 3398delAAAAG in the literature. This variant has been described in the international literature as a founder mutation in the French Canadian population (PMID:23199084) and has been identified in individuals with breast, ovarian, prostate and pancreatic cancers (PMID:15131399, 15382066, 16539696, 20694749, 23479189, 23621881, 25863477, 26296701, 27433846, 29084914, 33471991, 35547873). The mutation database Clinvar contains entries for this variant where it is listed as pathogenic (VCV000037826.63). Based on the classification criteria set by the ACMG and AMP (PMID:25741868) this variant has been classified as pathogenic.

Color Diagnostics, LLC DBA Color Health
Classification: Pathogenic for Hereditary cancer-predisposing syndrome. Last evaluated: 2025-05-13. Review status: criteria provided, single submitter. Criteria: ACMG Guidelines, 2015. Collection method: clinical testing. Allele origin: germline. Not counted in ClinVar's aggregate classification.
Comment: This variant deletes 5 nucleotides in exon 11 of the BRCA2 gene, creating a frameshift and premature translation stop signal. This variant is also known as 3398del5 or 3398delAAAAG in the literature. This variant is expected to result in an absent or non-functional protein product. This variant has been identified in more than 15 individuals affected with breast or ovarian cancer (PMID: 16539696, 23479189, 23621881, 25863477, 26296701, 29084914, 33471991), in individuals affected with pancreatic cancer (PMID: 35547873) and in an individual affected with prostate cancer (PMID: 27433846). This variant has been identified in 3/246888 chromosomes in the general population by the Genome Aggregation Database (gnomAD). Loss of BRCA2 function is a known mechanism of disease. Based on the available evidence, this variant is classified as Pathogenic.

Center for Genomic Medicine, Rigshospitalet, Copenhagen University Hospital
Classification: Pathogenic. Last evaluated: 2025-03-04. Review status: criteria provided, single submitter. Criteria: ACMG Guidelines, 2015. Collection method: clinical testing. Allele origin: germline. Not counted in ClinVar's aggregate classification.

Mayo Clinic Laboratories, Mayo Clinic
Classification: Pathogenic. Last evaluated: 2024-12-18. Review status: criteria provided, single submitter. Criteria: ACMG Guidelines, 2015. Collection method: clinical testing. Allele origin: germline. Observed: 1 variant allele. Not counted in ClinVar's aggregate classification.
Comment: PP4_moderate, PM5_strong, PVS1